The following is an entry in ClinVar:

ClinVar aggregate classification (germline): Likely benign (1 of 4 stars; one submission).

Allele frequency attached by ClinVar (database versions not stated): 1000 Genomes Project 0.00060; 1000 Genomes Project 30x 0.00062; TOPMed 0.00127; gnomAD 0.00153; ESP Exome Variant Server 0.00170.
gnomAD v4.1: 3,151 of 1,595,900 alleles (0.2%); highest among the groups gnomAD compares: Non-Finnish European, 0.24%; 6 homozygotes.

Submission:

CeGaT Center for Human Genetics Tuebingen
Classification: Likely benign. Last evaluated: 2022-10-01. Review status: criteria provided, single submitter. Criteria: CeGaT Center For Human Genetics Tuebingen Variant Classification Criteria Version 2. Collection method: clinical testing. Allele origin: germline. Affected: yes. Observed: 1 variant allele.
Comment: HELZ2: BP4

NM_001037335.2(HELZ2):c.6164G>A (p.Arg2055His)

Gene: HELZ2 (helicase with zinc finger 2; minus strand). Cytogenetic location: 20q13.33.
Variant type: single nucleotide variant.
Coding change: c.6164G>A on transcript NM_001037335.2 (MANE Select); coding-DNA position 6164, G replaced by A.
Protein change: p.Arg2055His; replaces arginine 2055 with histidine.
Molecular consequence: missense variant.
Genome position (GRCh38, 1-based): chr20:63,562,658, C>T on the plus strand (G>A on the coding strand, the complement: HELZ2 is on the minus strand). VCF-style: chr20-63562658-C-T. GRCh37 (hg19) VCF-style: chr20-62194011-C-T.
Other names: c.4457G>A, p.Arg1486His (NM_033405.3); short protein forms R1486H, R2055H.
Identifiers: ClinVar variation 2652550 (VCV002652550.24), dbSNP rs146773053, ClinGen allele CA9961590.